The following is an entry in ClinVar:

NM_174916.3(UBR1):c.1038G>A (p.Ser346=)

Gene: UBR1 (ubiquitin protein ligase E3 component n-recognin 1; minus strand). Cytogenetic location: 15q15.2.
Variant type: single nucleotide variant.
Coding change: c.1038G>A on transcript NM_174916.3 (MANE Select); coding-DNA position 1038, G replaced by A.
Protein change: p.Ser346=; no amino-acid change (serine 346 retained).
Molecular consequence: synonymous variant.
Genome position (GRCh38, 1-based): chr15:43,059,140, C>T on the plus strand (G>A on the coding strand, the complement: UBR1 is on the minus strand). VCF-style: chr15-43059140-C-T. GRCh37 (hg19) VCF-style: chr15-43351338-C-T.
Other names: c.1038G>A (NM_174916.2).
Identifiers: ClinVar variation 1588737 (VCV001588737.10), dbSNP rs201919661, ClinGen allele CA7518841.

ClinVar aggregate classification (germline): Likely benign. Review status: criteria provided, single submitter (1 of 4 stars). 2 submissions from 2 submitters: Likely benign (1). 1 of the submissions does not count toward it. Last evaluated 2025-11-08.

Conditions:
UBR1-related disorder. Also called: UBR1-related condition.

Allele frequency attached by ClinVar (database versions not stated): gnomAD 0.00001; ExAC 0.00003; TOPMed 0.00003; gnomAD exomes 0.00004 and 0.00009.
gnomAD v4.1: 60 of 1,614,004 alleles (0.0037%); highest among the groups gnomAD compares: Middle Eastern, 0.033%; no homozygotes.

Submissions (2):

Labcorp Genetics (formerly Invitae), Labcorp
Classification: Likely benign. Last evaluated: 2025-11-08. Review status: criteria provided, single submitter. Criteria: Invitae Variant Classification Sherloc (09022015). Collection method: clinical testing. Allele origin: germline.

PreventionGenetics, part of Exact Sciences
Classification: Likely benign for UBR1-related condition. Last evaluated: 2019-05-29. Review status: no assertion criteria provided. Collection method: clinical testing. Allele origin: germline. Not counted in ClinVar's aggregate classification.
Comment: This variant is classified as likely benign based on ACMG/AMP sequence variant interpretation guidelines (Richards et al. 2015 PMID: 25741868, with internal and published modifications).